The following is an entry in ClinVar:

ClinVar aggregate classification (germline): Uncertain significance. Review status: criteria provided, multiple submitters, no conflicts (2 of 4 stars). 2 submissions from 2 submitters: Uncertain significance (2). Last evaluated 2019-03-23.

Allele frequency attached by ClinVar (database versions not stated): gnomAD exomes below 0.00001 and 0.00001; gnomAD 0.00005 and 0.00006; TOPMed 0.00006.
gnomAD v4.1: 15 of 1,612,706 alleles (0.00093%); highest among the groups gnomAD compares: Admixed American, 0.018%; no homozygotes.

Submissions (2):

Revvity Omics, Revvity
Classification: Uncertain significance. Last evaluated: 2019-03-23. Review status: criteria provided, single submitter. Criteria: ACMG Guidelines, 2015. Collection method: clinical testing. Allele origin: germline.

Laboratory for Molecular Medicine, Mass General Brigham Personalized Medicine
Classification: Uncertain significance. Last evaluated: 2013-07-18. Review status: criteria provided, single submitter. Criteria: LMM Criteria. Collection method: clinical testing. Allele origin: germline. Observed: 1 variant allele.
Comment: The Ser18728Asn variant in TTN has not been reported in individuals with cardiom yopathy or in large population studies. Computational analyses (biochemical amin o acid properties, conservation, AlignGVGD, PolyPhen2, and SIFT) do not provide strong support for or against an impact to the protein. Additional information i s needed to fully assess the clinical significance of this variant.

NM_001267550.2(TTN):c.63887G>A (p.Ser21296Asn)

Genes: TTN-AS1 (TTN antisense RNA 1; plus strand), TTN (titin; minus strand). Cytogenetic location: 2q31.2.
Variant type: single nucleotide variant.
Coding change: c.63887G>A on transcript NM_001267550.2 (MANE Select); coding-DNA position 63887, G replaced by A.
Protein change: p.Ser21296Asn; replaces serine 21296 with asparagine.
Molecular consequence: missense variant.
Genome position (GRCh38, 1-based): chr2:178,587,324, C>T on the plus strand (G>A on the coding strand, the complement: TTN is on the minus strand). VCF-style: chr2-178587324-C-T. GRCh37 (hg19) VCF-style: chr2-179452051-C-T.
Other names: c.56183G>A, p.Ser18728Asn (NM_133378.4); c.58964G>A, p.Ser19655Asn (NM_001256850.1); c.36692G>A, p.Ser12231Asn (NM_003319.4); c.37067G>A, p.Ser12356Asn (NM_133432.3); c.37268G>A, p.Ser12423Asn (NM_133437.4); short protein forms S18728N, S21296N, S19655N, S12356N, S12231N, S12423N.
Identifiers: ClinVar variation 165904 (VCV000165904.8), dbSNP rs727503583, ClinGen allele CA178617.